The following is an entry in ClinVar:

ClinVar aggregate classification (germline): Uncertain significance (1 of 4 stars; one submission).

Conditions:
Spondyloepimetaphyseal dysplasia with joint laxity (SEMDJL). Identifiers: MedGen C0432243, MONDO:0019675.
Ehlers-Danlos syndrome, spondylodysplastic type, 2 (EDSSPD2). Also called: Ehlers-Danlos syndrome, progeroid type, 2. Identifiers: Orphanet 536467, Orphanet 75496, MedGen C3809210, MONDO:0014139, OMIM 615349.

Allele frequency attached by ClinVar (database versions not stated): gnomAD exomes below 0.00001.

Submission:

Labcorp Genetics (formerly Invitae), Labcorp
Classification: Uncertain significance for Ehlers-Danlos syndrome, spondylodysplastic type, 2; Spondyloepimetaphyseal dysplasia with joint laxity. Last evaluated: 2021-08-06. Review status: criteria provided, single submitter. Criteria: Invitae Variant Classification Sherloc (09022015). Collection method: clinical testing. Allele origin: germline.
Comment: This variant has not been reported in the literature in individuals affected with B3GALT6-related conditions. This variant is not present in population databases (ExAC no frequency). This sequence change replaces glutamic acid with glycine at codon 174 of the B3GALT6 protein (p.Glu174Gly). The glutamic acid residue is moderately conserved and there is a moderate physicochemical difference between glutamic acid and glycine. Algorithms developed to predict the effect of missense changes on protein structure and function (SIFT, PolyPhen-2, Align-GVGD) all suggest that this variant is likely to be tolerated. In summary, the available evidence is currently insufficient to determine the role of this variant in disease. Therefore, it has been classified as a Variant of Uncertain Significance.

NM_080605.4(B3GALT6):c.521A>G (p.Glu174Gly)

Gene: B3GALT6 (beta-1,3-galactosyltransferase 6; plus strand). Cytogenetic location: 1p36.33.
Variant type: single nucleotide variant.
Coding change: c.521A>G on transcript NM_080605.4 (MANE Select); coding-DNA position 521, A replaced by G.
Protein change: p.Glu174Gly; replaces glutamic acid 174 with glycine.
Molecular consequence: missense variant.
Genome position (GRCh38, 1-based): chr1:1,232,799, A>G. VCF-style: chr1-1232799-A-G. GRCh37 (hg19) VCF-style: chr1-1168179-A-G.
Other names: short protein forms E174G.
Identifiers: ClinVar variation 1397919 (VCV001397919.6), dbSNP rs2100994072, ClinGen allele CA337826268.
Genomic context (GRCh38, chr1:1,232,799, plus strand): 5'-AGGCGGACGACGACTCCTTCGCGCGGCTGGACGCGCTGCTGGCCGAGCTGCGCGCCCGCG[A>G]GCCCGCGCGCCGCCGCCGCCTCTACTGGGGCTTCTTCTCGGGCCGCGGCCGCGTCAAGCC-3'
Protein context (NP_542172.2, residues 164-184): DALLAELRAR[Glu174Gly]PARRRRLYWG